The following is an entry in ClinVar:

NM_000136.3(FANCC):c.828A>G (p.Ile276Met)

Genes: AOPEP (aminopeptidase O (putative); plus strand), FANCC (FA complementation group C; minus strand). Cytogenetic location: 9q22.32.
Variant type: single nucleotide variant.
Coding change: c.828A>G on transcript NM_000136.3 (MANE Select); coding-DNA position 828, A replaced by G.
Protein change: p.Ile276Met; replaces isoleucine 276 with methionine.
Molecular consequence: missense variant.
Genome position (GRCh38, 1-based): chr9:95,135,361, T>C on the plus strand (A>G on the coding strand, the complement: FANCC is on the minus strand). VCF-style: chr9-95135361-T-C. GRCh37 (hg19) VCF-style: chr9-97897643-T-C.
Other names: p.I276M:ATA>ATG; c.828A>G, p.Ile276Met (NM_001243743.2, NM_001243744.2); short protein forms I276M.
Identifiers: ClinVar variation 127546 (VCV000127546.5), dbSNP rs587779908, ClinGen allele CA287229.
Genomic context (GRCh38, chr9:95,135,361, plus strand): 5'-CATCTCCTTCAAGGATTTTTCCCTTCATCAAAACCCAGTACGTACCAGCGATGAATCTTT[T>C]ATAAAGCATTCGATCCTTCTCAGACAATTTCTCTCACTGGAGATTAGCTTTTCAAAAAGA-3'
Protein context (NP_000127.2, residues 266-286): RNCLRRIECF[Ile276Met]KDSSLPQAAC

ClinVar aggregate classification (germline): Uncertain significance. Review status: criteria provided, multiple submitters, no conflicts (2 of 4 stars). 3 submissions from 3 submitters: Uncertain significance (3). Last evaluated 2025-09-15.

Conditions:
Hereditary cancer-predisposing syndrome. Also called: Hereditary Cancer Syndrome; Hereditary neoplastic syndrome; Tumor predisposition; Neoplastic Syndromes, Hereditary. Identifiers: Orphanet 140162, MedGen C0027672, MeSH D009386, MONDO:0015356.
Fanconi anemia (FA). Also called: Fanconi's anemia. Identifiers: Orphanet 84, MedGen C0015625, MeSH D005199, MONDO:0019391.

Submissions (3):

Labcorp Genetics (formerly Invitae), Labcorp
Classification: Uncertain significance for Fanconi anemia. Last evaluated: 2025-09-15. Review status: criteria provided, single submitter. Criteria: Invitae Variant Classification Sherloc (09022015). Collection method: clinical testing. Allele origin: germline.
Comment: This sequence change replaces isoleucine, which is neutral and non-polar, with methionine, which is neutral and non-polar, at codon 276 of the FANCC protein (p.Ile276Met). This variant is not present in population databases (gnomAD no frequency). This variant has not been reported in the literature in individuals affected with FANCC-related conditions. ClinVar contains an entry for this variant (Variation ID: 127546). Invitae Evidence Modeling of protein sequence and biophysical properties (such as structural, functional, and spatial information, amino acid conservation, physicochemical variation, residue mobility, and thermodynamic stability) indicates that this missense variant is not expected to disrupt FANCC protein function with a negative predictive value of 80%. In summary, the available evidence is currently insufficient to determine the role of this variant in disease. Therefore, it has been classified as a Variant of Uncertain Significance.

Ambry Genetics
Classification: Uncertain significance for Hereditary cancer-predisposing syndrome. Last evaluated: 2024-06-01. Review status: criteria provided, single submitter. Criteria: Ambry Variant Classification Scheme 2023. Collection method: clinical testing. Allele origin: germline.
Comment: The p.I276M variant (also known as c.828A>G), located in coding exon 7 of the FANCC gene, results from an A to G substitution at nucleotide position 828. The isoleucine at codon 276 is replaced by methionine, an amino acid with highly similar properties. This amino acid position is conserved. In addition, this alteration is predicted to be tolerated by in silico analysis. Based on the available evidence, the clinical significance of this variant remains unclear.

GeneDx
Classification: Uncertain significance. Last evaluated: 2018-04-20. Review status: criteria provided, single submitter. Criteria: GeneDx Variant Classification (06012015). Collection method: clinical testing. Allele origin: germline. Affected: yes.
Comment: This variant is denoted FANCC c.828A>G at the cDNA level, p.Ile276Met (I276M) at the protein level, and results in the change of an Isoleucine to a Methionine (ATA>ATG). This variant has not, to our knowledge, been published in the literature as pathogenic or benign. FANCC Ile276Met was not observed in large population cohorts (Lek 2016). This variant is located in the GRP94 and Hsp70 binding domains (Gordon 2000). In silico analysis, which includes protein predictors and evolutionary conservation, supports that this variant does not alter protein structure/function. Based on currently available evidence, it is unclear whether FANCC Ile276Met is a pathogenic or benign variant. We consider it to be a variant of uncertain significance.